The following is an entry in ClinVar:

NM_001298.3(CNGA3):c.1040G>A (p.Arg347His)

Gene: CNGA3 (cyclic nucleotide gated channel subunit alpha 3; plus strand). Cytogenetic location: 2q11.2.
Variant type: single nucleotide variant.
Coding change: c.1040G>A on transcript NM_001298.3 (MANE Select); coding-DNA position 1040, G replaced by A.
Protein change: p.Arg347His; replaces arginine 347 with histidine.
Molecular consequence: missense variant.
Genome position (GRCh38, 1-based): chr2:98,396,210, G>A. VCF-style: chr2-98396210-G-A. GRCh37 (hg19) VCF-style: chr2-99012673-G-A.
Other names: c.986G>A, p.Arg329His (NM_001079878.2); short protein forms R347H, R329H.
Identifiers: ClinVar variation 848202 (VCV000848202.7), dbSNP rs749591705, ClinGen allele CA1793937.

ClinVar aggregate classification (germline): Uncertain significance (1 of 4 stars; one submission).

Allele frequency attached by ClinVar (database versions not stated): ExAC 0.00001; gnomAD 0.00001 and 0.00002; gnomAD exomes 0.00001; TOPMed 0.00006.
gnomAD v4.1: 12 of 1,614,032 alleles (0.00074%); highest among the groups gnomAD compares: Admixed American, 0.005%; no homozygotes.

Submission:

Labcorp Genetics (formerly Invitae), Labcorp
Classification: Uncertain significance. Last evaluated: 2022-07-05. Review status: criteria provided, single submitter. Criteria: Invitae Variant Classification Sherloc (09022015). Collection method: clinical testing. Allele origin: germline.
Comment: This sequence change replaces arginine, which is basic and polar, with histidine, which is basic and polar, at codon 347 of the CNGA3 protein (p.Arg347His). This variant is present in population databases (rs749591705, gnomAD 0.006%). This variant has not been reported in the literature in individuals affected with CNGA3-related conditions. ClinVar contains an entry for this variant (Variation ID: 848202). Advanced modeling of protein sequence and biophysical properties (such as structural, functional, and spatial information, amino acid conservation, physicochemical variation, residue mobility, and thermodynamic stability) performed at Invitae indicates that this missense variant is expected to disrupt CNGA3 protein function. In summary, the available evidence is currently insufficient to determine the role of this variant in disease. Therefore, it has been classified as a Variant of Uncertain Significance.